The following is an entry in ClinVar:

NM_004415.4(DSP):c.3518G>T (p.Arg1173Met)

Gene: DSP (desmoplakin; plus strand). Cytogenetic location: 6p24.3.
Variant type: single nucleotide variant.
Coding change: c.3518G>T on transcript NM_004415.4 (MANE Select); coding-DNA position 3518, G replaced by T.
Protein change: p.Arg1173Met; replaces arginine 1173 with methionine.
Molecular consequence: missense variant.
Genome position (GRCh38, 1-based): chr6:7,579,708, G>T. VCF-style: chr6-7579708-G-T. GRCh37 (hg19) VCF-style: chr6-7579941-G-T.
Other names: c.3518G>T, p.Arg1173Met (NM_001008844.3, NM_001319034.2); short protein forms R1173M.
Identifiers: ClinVar variation 2046376 (VCV002046376.4), dbSNP rs2533924100, ClinGen allele CA362684248.

ClinVar aggregate classification (germline): Uncertain significance (1 of 4 stars; one submission).

Conditions:
Arrhythmogenic right ventricular dysplasia 8 (ARVD8). Also called: Arrhythmogenic Right Ventricular Dysplasia/Cardiomyopathy 8; ARRHYTHMOGENIC RIGHT VENTRICULAR DYSPLASIA, FAMILIAL, 8; ARRHYTHMOGENIC RIGHT VENTRICULAR CARDIOMYOPATHY 8. Identifiers: MedGen C1843896, MONDO:0011831, OMIM 607450.
Arrhythmogenic cardiomyopathy with wooly hair and keratoderma. Also called: Dilated cardiomyopathy with woolly hair and keratoderma; Arrhythmogenic cardiomyopathy with woolly hair and keratoderma; PALMOPLANTAR KERATODERMA WITH LEFT VENTRICULAR CARDIOMYOPATHY AND WOOLLY HAIR; Carvajal syndrome. Identifiers: Orphanet 65282, MedGen C1854063, MONDO:0011581, OMIM 605676.

Submission:

Labcorp Genetics (formerly Invitae), Labcorp
Classification: Uncertain significance for Arrhythmogenic cardiomyopathy with wooly hair and keratoderma; Arrhythmogenic right ventricular dysplasia 8. Last evaluated: 2021-12-18. Review status: criteria provided, single submitter. Criteria: Invitae Variant Classification Sherloc (09022015). Collection method: clinical testing. Allele origin: germline.
Comment: This variant has not been reported in the literature in individuals affected with DSP-related conditions. This sequence change replaces arginine, which is basic and polar, with methionine, which is neutral and non-polar, at codon 1173 of the DSP protein (p.Arg1173Met). This variant is not present in population databases (gnomAD no frequency). Algorithms developed to predict the effect of missense changes on protein structure and function are either unavailable or do not agree on the potential impact of this missense change (SIFT: "Tolerated"; PolyPhen-2: "Possibly Damaging"; Align-GVGD: "Class C0"). In summary, the available evidence is currently insufficient to determine the role of this variant in disease. Therefore, it has been classified as a Variant of Uncertain Significance.